The following is an entry in ClinVar:

ClinVar aggregate classification (germline): Uncertain significance (1 of 4 stars; one submission).

Conditions:
Cardiovascular phenotype. Identifiers: MedGen CN230736.
Hereditary cancer-predisposing syndrome. Also called: Tumor predisposition; Hereditary Cancer Syndrome; Neoplastic Syndromes, Hereditary; Hereditary neoplastic syndrome. Identifiers: Orphanet 140162, MedGen C0027672, MeSH D009386, MONDO:0015356.

Submission:

Ambry Genetics
Classification: Uncertain significance for Cardiovascular phenotype; Hereditary cancer-predisposing syndrome. Last evaluated: 2020-11-18. Review status: criteria provided, single submitter. Criteria: Ambry Variant Classification Scheme 2023. Collection method: clinical testing. Allele origin: germline.
Comment: The p.L920M variant (also known as c.2758C>A), located in coding exon 21 of the NF1 gene, results from a C to A substitution at nucleotide position 2758. The leucine at codon 920 is replaced by methionine, an amino acid with highly similar properties. This amino acid position is highly conserved in available vertebrate species. In addition, the in silico prediction for this alteration is inconclusive. Since supporting evidence is limited at this time, the clinical significance of this alteration remains unclear.

NM_001042492.3(NF1):c.2758C>A (p.Leu920Met)

Gene: NF1 (neurofibromin 1; plus strand). Cytogenetic location: 17q11.2.
Variant type: single nucleotide variant.
Coding change: c.2758C>A on transcript NM_001042492.3 (MANE Select); coding-DNA position 2758, C replaced by A.
Protein change: p.Leu920Met; replaces leucine 920 with methionine.
Molecular consequence: missense variant.
Genome position (GRCh38, 1-based): chr17:31,229,373, C>A. VCF-style: chr17-31229373-C-A. GRCh37 (hg19) VCF-style: chr17-29556391-C-A.
Other names: c.2758C>A, p.Leu920Met (NM_000267.4); short protein forms L920M.
Identifiers: ClinVar variation 1795630 (VCV001795630.2), dbSNP rs2151429594, ClinGen allele CA398985418.